The following is an entry in ClinVar:

ClinVar aggregate classification (germline): Benign (0 of 4 stars; one submission).

Conditions:
MYO9B-related disorder. Also called: MYO9B-related condition.

Allele frequency attached by ClinVar (database versions not stated): 1000 Genomes Project 0.03095; 1000 Genomes Project 30x 0.03248; gnomAD 0.06009; ESP Exome Variant Server 0.06666; gnomAD exomes 0.06950; ExAC 0.07905.
gnomAD v4.1: 109,437 of 1,600,024 alleles (6.8%); highest among the groups gnomAD compares: Non-Finnish European, 7.8%; 4,054 homozygotes.

Submission:

PreventionGenetics, part of Exact Sciences
Classification: Benign for MYO9B-related condition. Last evaluated: 2019-07-02. Review status: no assertion criteria provided. Collection method: clinical testing. Allele origin: germline.
Comment: This variant is classified as benign based on ACMG/AMP sequence variant interpretation guidelines (Richards et al. 2015 PMID: 25741868, with internal and published modifications).

NM_004145.4(MYO9B):c.5589G>A (p.Pro1863=)

Gene: MYO9B (myosin IXB; plus strand). Cytogenetic location: 19p13.11.
Variant type: single nucleotide variant.
Coding change: c.5589G>A on transcript NM_004145.4 (MANE Select); coding-DNA position 5589, G replaced by A.
Protein change: p.Pro1863=; no amino-acid change (proline 1863 retained).
Molecular consequence: synonymous variant.
Genome position (GRCh38, 1-based): chr19:17,207,209, G>A. VCF-style: chr19-17207209-G-A. GRCh37 (hg19) VCF-style: chr19-17318018-G-A.
Other names: c.5589G>A, p.Pro1863= (NM_001130065.2).
Identifiers: ClinVar variation 3059054 (VCV003059054.2), dbSNP rs17535005, ClinGen allele CA9288616.